The following is an entry in ClinVar:

ClinVar aggregate classification (germline): Uncertain significance (1 of 4 stars; one submission).

Submission:

Labcorp Genetics (formerly Invitae), Labcorp
Classification: Uncertain significance. Last evaluated: 2026-01-19. Review status: criteria provided, single submitter. Criteria: Invitae Variant Classification Sherloc (09022015). Collection method: clinical testing. Allele origin: germline.
Comment: This sequence change falls in intron 38 of the CIT gene. It does not directly change the encoded amino acid sequence of the CIT protein. This variant is not present in population databases (gnomAD no frequency). This variant has not been reported in the literature in individuals affected with CIT-related conditions. ClinVar contains an entry for this variant (Variation ID: 1995853). Algorithms developed to predict the effect of sequence changes on RNA splicing suggest that this variant may disrupt the consensus splice site. In summary, the available evidence is currently insufficient to determine the role of this variant in disease. Therefore, it has been classified as a Variant of Uncertain Significance.

NM_001206999.2(CIT):c.4936-18G>A

Gene: CIT (citron rho-interacting serine/threonine kinase; minus strand). Cytogenetic location: 12q24.23.
Variant type: single nucleotide variant.
Coding change: c.4936-18G>A on transcript NM_001206999.2 (MANE Select); 18 bases into the intron before coding-DNA position 4936, G replaced by A.
Molecular consequence: intron variant.
Genome position (GRCh38, 1-based): chr12:119,710,404, C>T on the plus strand (G>A on the coding strand, the complement: CIT is on the minus strand). VCF-style: chr12-119710404-C-T. GRCh37 (hg19) VCF-style: chr12-120148209-C-T.
Other names: c.4810-18G>A (NM_007174.3).
Identifiers: ClinVar variation 1995853 (VCV001995853.4), dbSNP rs2500968448, ClinGen allele CA2580085880.